The following is an entry in ClinVar:

ClinVar aggregate classification (germline): Uncertain significance (1 of 4 stars; one submission).

Conditions:
Peroxisome biogenesis disorder. Identifiers: Orphanet 79189, MedGen C1832200, MONDO:0019234. Disease mechanism: loss of function.

Allele frequency attached by ClinVar (database versions not stated): gnomAD exomes below 0.00001; TOPMed below 0.00001.
gnomAD v4.1: 2 of 1,613,578 alleles (0.00012%); highest among the groups gnomAD compares: East Asian, 0.0045%; no homozygotes.

Submission:

Labcorp Genetics (formerly Invitae), Labcorp
Classification: Uncertain significance for Peroxisome biogenesis disorder. Last evaluated: 2022-08-02. Review status: criteria provided, single submitter. Criteria: Invitae Variant Classification Sherloc (09022015). Collection method: clinical testing. Allele origin: germline.
Comment: This sequence change replaces alanine, which is neutral and non-polar, with threonine, which is neutral and polar, at codon 307 of the PEX16 protein (p.Ala307Thr). This variant is not present in population databases (gnomAD no frequency). This variant has not been reported in the literature in individuals affected with PEX16-related conditions. Algorithms developed to predict the effect of missense changes on protein structure and function output the following: SIFT: "Tolerated"; PolyPhen-2: "Benign"; Align-GVGD: "Class C0". The threonine amino acid residue is found in multiple mammalian species, which suggests that this missense change does not adversely affect protein function. In summary, the available evidence is currently insufficient to determine the role of this variant in disease. Therefore, it has been classified as a Variant of Uncertain Significance.

NM_004813.4(PEX16):c.919G>A (p.Ala307Thr)

Gene: PEX16 (peroxisomal biogenesis factor 16; minus strand). Cytogenetic location: 11p11.2.
Variant type: single nucleotide variant.
Coding change: c.919G>A on transcript NM_004813.4 (MANE Select); coding-DNA position 919, G replaced by A.
Protein change: p.Ala307Thr; replaces alanine 307 with threonine.
Molecular consequence: missense variant.
Genome position (GRCh38, 1-based): chr11:45,910,931, C>T on the plus strand (G>A on the coding strand, the complement: PEX16 is on the minus strand). VCF-style: chr11-45910931-C-T. GRCh37 (hg19) VCF-style: chr11-45932482-C-T.
Other names: c.919G>A, p.Ala307Thr (NM_057174.3); short protein forms A307T.
Identifiers: ClinVar variation 2054072 (VCV002054072.1), dbSNP rs2086772065, ClinGen allele CA380224563.